The following is an entry in ClinVar:

NM_004525.3(LRP2):c.4782G>T (p.Gln1594His)

Gene: LRP2 (LDL receptor related protein 2; minus strand). Cytogenetic location: 2q31.1.
Variant type: single nucleotide variant.
Coding change: c.4782G>T on transcript NM_004525.3 (MANE Select); coding-DNA position 4782, G replaced by T.
Protein change: p.Gln1594His; replaces glutamine 1594 with histidine.
Molecular consequence: missense variant.
Genome position (GRCh38, 1-based): chr2:169,235,978, C>A on the plus strand (G>T on the coding strand, the complement: LRP2 is on the minus strand). VCF-style: chr2-169235978-C-A. GRCh37 (hg19) VCF-style: chr2-170092488-C-A.
Other names: short protein forms Q1594H.
Identifiers: ClinVar variation 2102135 (VCV002102135.1), dbSNP rs1689589851, ClinGen allele CA349142533.

ClinVar aggregate classification (germline): Uncertain significance (1 of 4 stars; one submission).

gnomAD v4.1: 13 of 1,614,206 alleles (0.00081%); highest among the groups gnomAD compares: Non-Finnish European, 0.001%; no homozygotes.

Submission:

Labcorp Genetics (formerly Invitae), Labcorp
Classification: Uncertain significance. Last evaluated: 2022-02-24. Review status: criteria provided, single submitter. Criteria: Invitae Variant Classification Sherloc (09022015). Collection method: clinical testing. Allele origin: germline.
Comment: This sequence change replaces glutamine, which is neutral and polar, with histidine, which is basic and polar, at codon 1594 of the LRP2 protein (p.Gln1594His). This variant is not present in population databases (gnomAD no frequency). This variant has not been reported in the literature in individuals affected with LRP2-related conditions. Algorithms developed to predict the effect of missense changes on protein structure and function are either unavailable or do not agree on the potential impact of this missense change (SIFT: "Tolerated"; PolyPhen-2: "Possibly Damaging"; Align-GVGD: "Class C0"). In summary, the available evidence is currently insufficient to determine the role of this variant in disease. Therefore, it has been classified as a Variant of Uncertain Significance.